The following is an entry in ClinVar:

ClinVar aggregate classification (germline): Uncertain significance (1 of 4 stars; one submission).

Conditions:
KIAA1549-related disorder. Also called: KIAA1549-related condition.

Allele frequency attached by ClinVar (database versions not stated): ExAC 0.00001; gnomAD 0.00001.
gnomAD v4.1: 6 of 1,613,842 alleles (0.00037%); highest among the groups gnomAD compares: African/African-American, 0.0013%; no homozygotes.

Submission:

PreventionGenetics, part of Exact Sciences
Classification: Uncertain significance for KIAA1549-related condition. Last evaluated: 2022-11-02. Review status: criteria provided, single submitter. Criteria: ACMG Guidelines, 2015. Collection method: clinical testing. Allele origin: germline.
Comment: The KIAA1549 c.727G>A variant is predicted to result in the amino acid substitution p.Val243Ile. To our knowledge, this variant has not been reported in the literature. This variant is reported in 0.00089% of alleles in individuals of European (Non-Finnish) descent in gnomAD. At this time, the clinical significance of this variant is uncertain due to the absence of conclusive functional and genetic evidence.

NM_001164665.2(KIAA1549):c.727G>A (p.Val243Ile)

Gene: KIAA1549 (KIAA1549; minus strand). Cytogenetic location: 7q34.
Variant type: single nucleotide variant.
Coding change: c.727G>A on transcript NM_001164665.2 (MANE Select); coding-DNA position 727, G replaced by A.
Protein change: p.Val243Ile; replaces valine 243 with isoleucine.
Molecular consequence: missense variant.
Genome position (GRCh38, 1-based): chr7:138,918,899, C>T on the plus strand (G>A on the coding strand, the complement: KIAA1549 is on the minus strand). VCF-style: chr7-138918899-C-T. GRCh37 (hg19) VCF-style: chr7-138603645-C-T.
Other names: c.727G>A, p.Val243Ile (NM_020910.3); short protein forms V243I.
Identifiers: ClinVar variation 2635539 (VCV002635539.1), dbSNP rs765305065, ClinGen allele CA4506879.
Genomic context (GRCh38, chr7:138,918,899, plus strand): 5'-TTGATAAATGACTGTAAGCATCAGTAGGATAAAGCACCAAATTCCTGCCAGGAGTTGGAA[C>T]GATGCCCTCAGAGGTGCGAAAAGCTGACCGAAAGGTGTGGAAATGACTGGCGGACTCAGC-3'
Protein context (NP_001158137.1, residues 233-253): RSAFRTSEGI[Val243Ile]PTPGRNLVLY